The following is an entry in ClinVar:

ClinVar aggregate classification (germline): Pathogenic (1 of 4 stars; one submission).

Submission:

Labcorp Genetics (formerly Invitae), Labcorp
Classification: Pathogenic. Last evaluated: 2022-01-27. Review status: criteria provided, single submitter. Criteria: Invitae Variant Classification Sherloc (09022015). Collection method: clinical testing. Allele origin: germline.
Comment: For these reasons, this variant has been classified as Pathogenic. This variant has not been reported in the literature in individuals affected with OTOG-related conditions. This variant is not present in population databases (gnomAD no frequency). This sequence change creates a premature translational stop signal (p.Phe2123Serfs*6) in the OTOG gene. It is expected to result in an absent or disrupted protein product. Loss-of-function variants in OTOG are known to be pathogenic (PMID: 23122587).

Literature cited by the submitters: PubMed 23122587.

NM_001292063.2(OTOG):c.6330del (p.Phe2111fs)

Gene: OTOG (otogelin; plus strand). Cytogenetic location: 11p15.1.
Variant type: Deletion.
Coding change: c.6330del on transcript NM_001292063.2 (MANE Select); coding-DNA position 6330, one base deleted (C; older notation c.6330delC).
Protein change: p.Phe2111fs; shifts the reading frame from phenylalanine 2111.
Molecular consequence: frameshift variant.
Genome position (GRCh38, 1-based): chr11:17,612,657, C deleted; the last of 2 consecutive C bases (chr11:17,612,656-17,612,657); deleting either gives the same sequence. VCF-style (leftmost placement, unchanged base first): chr11-17612655-AC-A. GRCh37 (hg19) VCF-style: chr11-17634202-AC-A.
Other names: c.6366del, p.Phe2123fs (NM_001277269.2); short protein forms F2123fs, F2111fs.
Identifiers: ClinVar variation 2051588 (VCV002051588.4), dbSNP rs2497546422, ClinGen allele CA2580082825.